The following is an entry in ClinVar:

NM_004517.4(ILK):c.614G>A (p.Gly205Glu)

Genes: TAF10 (TATA-box binding protein associated factor 10; minus strand), ILK (integrin linked kinase; plus strand). Cytogenetic location: 11p15.4.
Variant type: single nucleotide variant.
Coding change: c.614G>A on transcript NM_004517.4 (MANE Select); coding-DNA position 614, G replaced by A.
Protein change: p.Gly205Glu; replaces glycine 205 with glutamic acid.
Molecular consequence: missense variant. On other transcripts: 3 prime UTR variant (1), intron variant (1).
Genome position (GRCh38, 1-based): chr11:6,609,152, G>A. VCF-style: chr11-6609152-G-A. GRCh37 (hg19) VCF-style: chr11-6630383-G-A.
Other names: c.614G>A, p.Gly205Glu (NM_001014794.3, NM_001014795.3); c.212G>A, p.Gly71Glu (NM_001278442.2); c.*1770C>T (NM_006284.4); c.436-147G>A (NM_001278441.2); short protein forms G71E, G205E.
Identifiers: ClinVar variation 864128 (VCV000864128.4), dbSNP rs548542841, ClinGen allele CA5858113.
Genomic context (GRCh38, chr11:6,609,152, plus strand): 5'-ACTCTGGCATTGACTTCAAACAGCTTAACTTCCTGACGAAGCTCAACGAGAATCACTCTG[G>A]AGAGGTGACCCCTGCCCTTCTTGCCCTTCCCTCACTAAACCCCCATAAATTACTTGCTTT-3'
Protein context (NP_004508.1, residues 195-215): FLTKLNENHS[Gly205Glu]ELWKGRWQGN

ClinVar aggregate classification (germline): Conflicting classifications of pathogenicity. Review status: criteria provided, conflicting classifications (1 of 4 stars). 2 submissions from 2 submitters: Uncertain significance (1); Likely benign (1). Last evaluated 2025-02-15.

Conditions:
Primary familial hypertrophic cardiomyopathy (HCM). Identifiers: Orphanet 99739, MedGen C0949658, MeSH D024741, MONDO:0024573. Inheritance: Various modes of inheritance.

Allele frequency attached by ClinVar (database versions not stated): gnomAD below 0.00001 and 0.00001; TOPMed 0.00001; gnomAD exomes 0.00004; ExAC 0.00005; 1000 Genomes Project 30x 0.00016; 1000 Genomes Project 0.00020.
gnomAD v4.1: 38 of 1,613,762 alleles (0.0024%); highest among the groups gnomAD compares: South Asian, 0.037%; no homozygotes.

Submissions (2):

Labcorp Genetics (formerly Invitae), Labcorp
Classification: Uncertain significance for Primary familial hypertrophic cardiomyopathy. Last evaluated: 2025-02-15. Review status: criteria provided, single submitter. Criteria: Invitae Variant Classification Sherloc (09022015). Collection method: clinical testing. Allele origin: germline.
Comment: This sequence change replaces glycine, which is neutral and non-polar, with glutamic acid, which is acidic and polar, at codon 205 of the ILK protein (p.Gly205Glu). This variant is present in population databases (rs548542841, gnomAD 0.04%), and has an allele count higher than expected for a pathogenic variant. This variant has not been reported in the literature in individuals affected with ILK-related conditions. ClinVar contains an entry for this variant (Variation ID: 864128). An algorithm developed to predict the effect of missense changes on protein structure and function (PolyPhen-2) suggests that this variant is likely to be disruptive. In summary, the available evidence is currently insufficient to determine the role of this variant in disease. Therefore, it has been classified as a Variant of Uncertain Significance.

Ambry Genetics
Classification: Likely benign. Last evaluated: 2024-09-04. Review status: criteria provided, single submitter. Criteria: Ambry Variant Classification Scheme 2023. Collection method: clinical testing. Allele origin: germline.